The following is an entry in ClinVar:

ClinVar aggregate classification (germline): Uncertain significance (1 of 4 stars; one submission).

Conditions:
Hyperphosphatasia with impaired intellectual development syndrome 2. Also called: Hyperphosphatasia with intellectual disability syndrome 2; GLYCOSYLPHOSPHATIDYLINOSITOL BIOSYNTHESIS DEFECT 6. Identifiers: Orphanet 247262, MedGen C3553637, MONDO:0013882, OMIM 614749.

Submission:

Labcorp Genetics (formerly Invitae), Labcorp
Classification: Uncertain significance for Hyperphosphatasia with impaired intellectual development syndrome 2. Last evaluated: 2021-09-14. Review status: criteria provided, single submitter. Criteria: Invitae Variant Classification Sherloc (09022015). Collection method: clinical testing. Allele origin: germline.
Comment: This sequence change replaces valine with leucine at codon 767 of the PIGO protein (p.Val767Leu). The valine residue is moderately conserved and there is a small physicochemical difference between valine and leucine. This variant is not present in population databases (ExAC no frequency). This variant has not been reported in the literature in individuals affected with PIGO-related conditions. Algorithms developed to predict the effect of missense changes on protein structure and function (SIFT, PolyPhen-2, Align-GVGD) all suggest that this variant is likely to be tolerated. In summary, the available evidence is currently insufficient to determine the role of this variant in disease. Therefore, it has been classified as a Variant of Uncertain Significance.

NM_032634.4(PIGO):c.2299G>T (p.Val767Leu)

Gene: PIGO (phosphatidylinositol glycan anchor biosynthesis class O; minus strand). Cytogenetic location: 9p13.3.
Variant type: single nucleotide variant.
Coding change: c.2299G>T on transcript NM_032634.4 (MANE Select); coding-DNA position 2299, G replaced by T.
Protein change: p.Val767Leu; replaces valine 767 with leucine.
Molecular consequence: missense variant. On other transcripts: intron variant (2).
Genome position (GRCh38, 1-based): chr9:35,091,588, C>A on the plus strand (G>T on the coding strand, the complement: PIGO is on the minus strand). VCF-style: chr9-35091588-C-A. GRCh37 (hg19) VCF-style: chr9-35091585-C-A.
Other names: c.1345-297G>T (NM_152850.4, NM_001201484.2); short protein forms V767L.
Identifiers: ClinVar variation 1368627 (VCV001368627.6), dbSNP rs1237902622, ClinGen allele CA373320315.